The following is an entry in ClinVar:

ClinVar aggregate classification (germline): Uncertain significance. Review status: criteria provided, multiple submitters, no conflicts (2 of 4 stars). 5 submissions from 3 submitters: Uncertain significance (5). Last evaluated 2025-07-06.

Conditions:
RASopathy. Also called: rasopathies; Noonan spectrum disorder. Identifiers: Orphanet 536391, MedGen C5555857, MONDO:0021060.
LEOPARD syndrome 1 (LPRD1). Also called: LENTIGINOSIS, CARDIOMYOPATHIC; MULTIPLE LENTIGINES SYNDROME; PTPN11-Related LEOPARD Syndrome. Identifiers: Orphanet 500, MedGen C4551484, MONDO:0100082, OMIM 151100.
Noonan syndrome 1 (NS1). Also called: PTPN11-Related Noonan Syndrome; TURNER PHENOTYPE WITH NORMAL KARYOTYPE; FEMALE PSEUDO-TURNER SYNDROME. Identifiers: Orphanet 648, MedGen C4551602, MONDO:0008104, OMIM 163950. Disease mechanism: gain of function.
Metachondromatosis (METCDS). Identifiers: Orphanet 2499, MedGen C0410530, MONDO:0007979, OMIM 156250.

Allele frequency attached by ClinVar (database versions not stated): gnomAD exomes below 0.00001 and 0.00001; ExAC 0.00001; gnomAD 0.00001; TOPMed 0.00002.
gnomAD v4.1: 3 of 1,612,084 alleles (0.00019%); highest among the groups gnomAD compares: East Asian, 0.0067%; no homozygotes.

Submissions (5):

Labcorp Genetics (formerly Invitae), Labcorp
Classification: Uncertain significance for RASopathy. Last evaluated: 2025-07-06. Review status: criteria provided, single submitter. Criteria: Invitae Variant Classification Sherloc (09022015). Collection method: clinical testing. Allele origin: germline.
Comment: This sequence change falls in intron 11 of the PTPN11 gene. It does not directly change the encoded amino acid sequence of the PTPN11 protein. It affects a nucleotide within the consensus splice site. This variant is present in population databases (rs746958309, gnomAD 0.02%). This variant has not been reported in the literature in individuals affected with PTPN11-related conditions. ClinVar contains an entry for this variant (Variation ID: 496182). Variants that disrupt the consensus splice site are a relatively common cause of aberrant splicing (PMID: 17576681, 9536098). Algorithms developed to predict the effect of sequence changes on RNA splicing suggest that this variant is not likely to affect RNA splicing. In summary, the available evidence is currently insufficient to determine the role of this variant in disease. Therefore, it has been classified as a Variant of Uncertain Significance.

Illumina Laboratory Services, Illumina
Classification: Uncertain significance for Metachondromatosis. Last evaluated: 2018-01-12. Review status: criteria provided, single submitter. Criteria: ICSL Variant Classification Criteria 13 December 2019. Collection method: clinical testing. Allele origin: germline.

Illumina Laboratory Services, Illumina
Classification: Uncertain significance for Noonan syndrome 1. Last evaluated: 2018-01-12. Review status: criteria provided, single submitter. Criteria: ICSL Variant Classification Criteria 13 December 2019. Collection method: clinical testing. Allele origin: germline.

Illumina Laboratory Services, Illumina
Classification: Uncertain significance for LEOPARD syndrome 1. Last evaluated: 2018-01-12. Review status: criteria provided, single submitter. Criteria: ICSL Variant Classification Criteria 13 December 2019. Collection method: clinical testing. Allele origin: germline.

Women's Health and Genetics/Laboratory Corporation of America, LabCorp
Classification: Uncertain significance. Last evaluated: 2017-07-24. Review status: criteria provided, single submitter. Criteria: LabCorp Variant Classification Summary - May 2015. Collection method: clinical testing. Allele origin: germline.
Comment: Variant summary: The PTPN11 c.1379+6A>G variant involves the alteration of a non-conserved intronic nucleotide and 5/5 splice prediction tools predict no significant impact on normal splicing. However, these predictions have yet to be confirmed by functional studies. This variant was found in 3/274018 control chromosomes at a frequency of 0.0000109, which does not exceed the estimated maximal expected allele frequency of a pathogenic PTPN11 variant (0.0000625). The variant of interest has not, to our knowledge, been reported in affected individuals via publications and/or reputable databases/clinical diagnostic laboratories. Because of the absence of clinical information and the lack of functional studies, the variant is classified as a "Variant of Uncertain Significance (VUS)," until additional information becomes available.

Literature cited by the submitters: PubMed 17576681 (cited by Labcorp Genetics (formerly Invitae), Labcorp); PubMed 9536098 (cited by Labcorp Genetics (formerly Invitae), Labcorp).

NM_002834.5(PTPN11):c.1379+6A>G

Gene: PTPN11 (protein tyrosine phosphatase non-receptor type 11; plus strand). Cytogenetic location: 12q24.13.
Variant type: single nucleotide variant.
Coding change: c.1379+6A>G on transcript NM_002834.5 (MANE Select); 6 bases into the intron after coding-DNA position 1379, A replaced by G.
Molecular consequence: intron variant. On other transcripts: 3 prime UTR variant (1).
Genome position (GRCh38, 1-based): chr12:112,486,635, A>G. VCF-style: chr12-112486635-A-G. GRCh37 (hg19) VCF-style: chr12-112924439-A-G.
Other names: c.*2A>G (NM_080601.3); c.1391+6A>G (NM_001330437.2); c.1376+6A>G (NM_001374625.1).
Identifiers: ClinVar variation 496182 (VCV000496182.6), dbSNP rs746958309, ClinGen allele CA6798769.